The following is an entry in ClinVar:

NM_004958.4(MTOR):c.5715-9C>A

Gene: MTOR (mechanistic target of rapamycin kinase; minus strand). Cytogenetic location: 1p36.22.
Variant type: single nucleotide variant.
Coding change: c.5715-9C>A on transcript NM_004958.4 (MANE Select); 9 bases into the intron before coding-DNA position 5715, C replaced by A.
Molecular consequence: intron variant.
Genome position (GRCh38, 1-based): chr1:11,128,960, G>T on the plus strand (C>A on the coding strand, the complement: MTOR is on the minus strand). VCF-style: chr1-11128960-G-T. GRCh37 (hg19) VCF-style: chr1-11189017-G-T.
Other names: c.5715-9C>A (NM_004958.3, NM_001386500.1); c.4467-9C>A (NM_001386501.1).
Identifiers: ClinVar variation 1138084 (VCV001138084.10), dbSNP rs778366203, ClinGen allele CA589257.

ClinVar aggregate classification (germline): Likely benign. Review status: criteria provided, multiple submitters, no conflicts (2 of 4 stars). 2 submissions from 2 submitters: Likely benign (2). Last evaluated 2025-11-17.

Conditions:
MTOR-related disorder. Also called: MTOR-related condition.

Allele frequency attached by ClinVar (database versions not stated): ExAC 0.00002; gnomAD exomes 0.00002 and 0.00001; TOPMed 0.00001.
gnomAD v4.1: 5 of 1,609,608 alleles (0.00031%); highest among the groups gnomAD compares: Admixed American, 0.0084%; no homozygotes.

Submissions (2):

Labcorp Genetics (formerly Invitae), Labcorp
Classification: Likely benign. Last evaluated: 2025-11-17. Review status: criteria provided, single submitter. Criteria: Invitae Variant Classification Sherloc (09022015). Collection method: clinical testing. Allele origin: germline.

PreventionGenetics, part of Exact Sciences
Classification: Likely benign for MTOR-related condition. Last evaluated: 2025-06-25. Review status: criteria provided, single submitter. Criteria: ACMG Guidelines, 2015. Collection method: clinical testing. Allele origin: germline.
Comment: This variant is classified as likely benign based on ACMG/AMP sequence variant interpretation guidelines (Richards et al. 2015 PMID: 25741868, with internal and published modifications).